The following is an entry in ClinVar:

ClinVar aggregate classification (germline): Uncertain significance (1 of 4 stars; one submission).

Conditions:
Familial thoracic aortic aneurysm and aortic dissection (TAAD). Also called: Thoracic aortic aneurysms and dissections. Identifiers: Orphanet 91387, MedGen C4707243, MONDO:0019625.

Submission:

Ambry Genetics
Classification: Uncertain significance for Familial thoracic aortic aneurysm and aortic dissection. Last evaluated: 2017-02-08. Review status: criteria provided, single submitter. Criteria: Ambry Variant Classification Scheme 2023. Collection method: clinical testing. Allele origin: germline.
Comment: The p.V1899M variant (also known as c.5695G>A), located in coding exon 31 of the MYLK gene, results from a G to A substitution at nucleotide position 5695. The valine at codon 1899 is replaced by methionine, an amino acid with highly similar properties. This amino acid position is highly conserved in available vertebrate species. In addition, this alteration is predicted to be deleterious by in silico analysis. Since supporting evidence is limited at this time, the clinical significance of this alteration remains unclear.

NM_053025.4(MYLK):c.5695G>A (p.Val1899Met)

Genes: MYLK (myosin light chain kinase; minus strand), MYLK-AS1 (MYLK antisense RNA 1; plus strand). Cytogenetic location: 3q21.1.
Variant type: single nucleotide variant.
Coding change: c.5695G>A on transcript NM_053025.4 (MANE Select); coding-DNA position 5695, G replaced by A.
Protein change: p.Val1899Met; replaces valine 1899 with methionine.
Molecular consequence: missense variant.
Genome position (GRCh38, 1-based): chr3:123,614,155, C>T on the plus strand (G>A on the coding strand, the complement: MYLK is on the minus strand). VCF-style: chr3-123614155-C-T. GRCh37 (hg19) VCF-style: chr3-123333002-C-T.
Other names: c.5167G>A, p.Val1723Met (NM_001321309.2); c.5488G>A, p.Val1830Met (NM_053026.4); c.5542G>A, p.Val1848Met (NM_053027.4); c.5335G>A, p.Val1779Met (NM_053028.4); c.412G>A, p.Val138Met (NM_053031.4); c.415G>A, p.Val139Met (NM_053032.4); short protein forms V1899M, V138M, V1830M, V1723M, V1848M, V139M, V1779M.
Identifiers: ClinVar variation 519999 (VCV000519999.5), dbSNP rs1553768575, ClinGen allele CA354228503.